The following is an entry in ClinVar:

ClinVar aggregate classification (germline): Uncertain significance. Review status: criteria provided, multiple submitters, no conflicts (2 of 4 stars). 5 submissions from 5 submitters: Uncertain significance (4). 1 of the submissions does not count toward it. Last evaluated 2025-12-08.

Conditions:
Neuronal ceroid lipofuscinosis. Also called: Neuronal Ceroid Lipofuscinoses. Identifiers: Orphanet 216, Orphanet 79263, MedGen C0027877, MONDO:0016295. Disease mechanism: loss of function.
Neuronal ceroid lipofuscinosis 5 (CLN5). Also called: CEROID LIPOFUSCINOSIS, NEURONAL, 5, VARIABLE AGE AT ONSET; CLN5-Related Neuronal Ceroid-Lipofuscinosis; Neuronal ceroid lipofuscinosis Finnish variant; NEURONAL CEROID LIPOFUSCINOSIS, LATE INFANTILE, FINNISH VARIANT. Identifiers: Orphanet 168491, Orphanet 228360, MedGen C1850442, MONDO:0009745, OMIM 256731.

Allele frequency attached by ClinVar (database versions not stated): ExAC 0.00002; gnomAD exomes 0.00002 and 0.00004; gnomAD 0.00003; TOPMed 0.00003; ESP Exome Variant Server 0.00008.
gnomAD v4.1: 56 of 1,613,996 alleles (0.0035%); highest among the groups gnomAD compares: Admixed American, 0.023%; no homozygotes.

Submissions (5):

Labcorp Genetics (formerly Invitae), Labcorp
Classification: Uncertain significance for Neuronal ceroid lipofuscinosis. Last evaluated: 2025-12-08. Review status: criteria provided, single submitter. Criteria: Invitae Variant Classification Sherloc (09022015). Collection method: clinical testing. Allele origin: germline.
Comment: This sequence change replaces serine, which is neutral and polar, with asparagine, which is neutral and polar, at codon 173 of the CLN5 protein (p.Ser173Asn). This variant is present in population databases (rs369122820, gnomAD 0.01%). This variant has not been reported in the literature in individuals affected with CLN5-related conditions. ClinVar contains an entry for this variant (Variation ID: 205143). Invitae Evidence Modeling of protein sequence and biophysical properties (such as structural, functional, and spatial information, amino acid conservation, physicochemical variation, residue mobility, and thermodynamic stability) indicates that this missense variant is expected to disrupt CLN5 protein function with a positive predictive value of 95%. In summary, the available evidence is currently insufficient to determine the role of this variant in disease. Therefore, it has been classified as a Variant of Uncertain Significance.

GeneDx
Classification: Uncertain significance. Last evaluated: 2024-03-26. Review status: criteria provided, single submitter. Criteria: GeneDx Variant Classification Process June 2021. Collection method: clinical testing. Allele origin: germline. Affected: yes.
Comment: Not observed at significant frequency in large population cohorts (gnomAD); In silico analysis supports that this missense variant does not alter protein structure/function; Has not been previously published as pathogenic or benign to our knowledge

Genome-Nilou Lab
Classification: Uncertain significance for Neuronal ceroid lipofuscinosis 5. Last evaluated: 2021-09-05. Review status: criteria provided, single submitter. Criteria: ACMG Guidelines, 2015. Collection method: clinical testing. Allele origin: germline. Affected: no.

Athena Diagnostics
Classification: Uncertain significance. Last evaluated: 2016-09-29. Review status: criteria provided, single submitter. Criteria: Athena Diagnostics Criteria. Collection method: clinical testing. Allele origin: germline.

Natera, Inc.
Classification: Uncertain significance for Neuronal ceroid lipofuscinosis 5. Last evaluated: 2020-09-16. Review status: no assertion criteria provided. Collection method: clinical testing. Allele origin: germline. Not counted in ClinVar's aggregate classification.

NM_006493.4(CLN5):c.371G>A (p.Ser124Asn)

Gene: CLN5 (CLN5 lysosomal BMP synthase; plus strand). Cytogenetic location: 13q22.3.
Variant type: single nucleotide variant.
Coding change: c.371G>A on transcript NM_006493.4 (MANE Select); coding-DNA position 371, G replaced by A.
Protein change: p.Ser124Asn; replaces serine 124 with asparagine.
Molecular consequence: missense variant.
Genome position (GRCh38, 1-based): chr13:76,995,933, G>A. VCF-style: chr13-76995933-G-A. GRCh37 (hg19) VCF-style: chr13-77570068-G-A.
Other names: p.S173N:AGT>AAT; c.518G>A (LRG_692t1); c.371G>A, p.Ser124Asn (NM_001366624.2); short protein forms S124N.
Identifiers: ClinVar variation 205143 (VCV000205143.10), dbSNP rs369122820, ClinGen allele CA313915.
Genomic context (GRCh38, chr13:76,995,933, plus strand): 5'-GCTTTTATACATGTACTGTCTTTACACAGAAAATTATGCATGATGCCATTGGATTCAGAA[G>A]TACATTAACTGGCAAGAACTACACAATGGAATGGTATGAACTTTTCCAACTTGGCAACTG-3'
Protein context (NP_006484.2, residues 114-134): KIMHDAIGFR[Ser124Asn]TLTGKNYTME